The following is an entry in ClinVar:

ClinVar aggregate classification (germline): Conflicting classifications of pathogenicity. Review status: criteria provided, conflicting classifications (1 of 4 stars). 10 submissions from 8 submitters: Uncertain significance (5); Likely benign (4). 1 of the submissions does not count toward it. Last evaluated 2026-06-23.

Conditions:
SLC26A4-related disorder. Also called: SLC26A4-related condition; SLC26A4-related disorders.
Pendred syndrome (PDS). Also called: Pendred Syndrome (PDS); Pendred's syndrome; THYROID DYSHORMONOGENESIS 2B; THYROID HORMONOGENESIS, GENETIC DEFECT IN, 2B; DEAFNESS WITH GOITER; GOITER-DEAFNESS SYNDROME. Identifiers: Orphanet 705, MedGen C0271829, MONDO:0010134, OMIM 274600.
Autosomal recessive nonsyndromic hearing loss 4 (DFNB4). Also called: DEAFNESS, AUTOSOMAL RECESSIVE 4, WITH ENLARGED VESTIBULAR AQUEDUCT, DIGENIC; NEUROSENSORY NONSYNDROMIC RECESSIVE DEAFNESS 4; Deafness, autosomal recessive 4, with enlarged vestibular aqueduct; Deafness, autosomal recessive 4; Nonsyndromic enlarged vestibular aqueduct (NSEVA); Enlarged vestibular aqueduct, digenic. Identifiers: Orphanet 90636, MedGen C3538946, MONDO:0010933, OMIM 600791.

Allele frequency attached by ClinVar (database versions not stated): gnomAD 0.00006 and 0.00018; TOPMed 0.00011; ExAC 0.00037; gnomAD exomes 0.00037 and 0.00038; 1000 Genomes Project 30x 0.00094; 1000 Genomes Project 0.00120.
gnomAD v4.1: 573 of 1,611,194 alleles (0.036%); highest among the groups gnomAD compares: South Asian, 0.29%; 4 homozygotes.

Submissions (10):

PreventionGenetics, part of Exact Sciences
Classification: Likely benign for SLC26A4-related condition. Last evaluated: 2026-06-23. Review status: criteria provided, single submitter. Criteria: ACMG Guidelines, 2015. Collection method: clinical testing. Allele origin: germline.
Comment: This variant is classified as likely benign based on ACMG/AMP sequence variant interpretation guidelines (Richards et al. 2015 PMID: 25741868, with internal and published modifications).

Labcorp Genetics (formerly Invitae), Labcorp
Classification: Likely benign. Last evaluated: 2026-01-20. Review status: criteria provided, single submitter. Criteria: Invitae Variant Classification Sherloc (09022015). Collection method: clinical testing. Allele origin: germline.

Women's Health and Genetics/Laboratory Corporation of America, LabCorp
Classification: Uncertain significance. Last evaluated: 2025-06-16. Review status: criteria provided, single submitter. Criteria: LabCorp Variant Classification Summary - May 2015. Collection method: clinical testing. Allele origin: germline.
Comment: Variant summary: SLC26A4 c.1468A>C (p.Ile490Leu) results in a conservative amino acid change in the encoded protein sequence. Algorithms developed to predict the effect of missense changes on protein structure and function are either unavailable or do not agree on the potential impact of this missense change. The variant allele was found at a frequency of 0.00038 in 251414 control chromosomes. This frequency is not significantly higher than estimated for a pathogenic variant in SLC26A4 causing Pendred Syndrome (0.00038 vs 0.0035), allowing no conclusion about variant significance. c.1468A>C has been observed in individual(s) affected with Pendred Syndrome (Li_1998). These report(s) do not provide unequivocal conclusions about association of the variant with Pendred Syndrome. Co-occurrences with other pathogenic variant(s) have been reported in the reported family (SLC26A4 c.1489G>A, p.Gly497Ser) (Li_1998), providing supporting evidence for a benign role. At least one publication reports experimental evidence evaluating an impact on protein function. The most pronounced variant effect results in >80% of normal activity in an in vitro assay (Scott_2000). The following publications have been ascertained in the context of this evaluation (PMID: 9500541, 10861298). ClinVar contains an entry for this variant (Variation ID: 177738). Based on the evidence outlined above, the variant was classified as uncertain significance.

GeneDx
Classification: Likely benign. Last evaluated: 2025-05-12. Review status: criteria provided, single submitter. Criteria: GeneDx Variant Classification Process June 2021. Collection method: clinical testing. Allele origin: germline. Affected: yes.
Comment: See Variant Classification Assertion Criteria.

Genome-Nilou Lab
Classification: Uncertain significance for Autosomal recessive nonsyndromic hearing loss 4. Last evaluated: 2021-09-05. Review status: criteria provided, single submitter. Criteria: ACMG Guidelines, 2015. Collection method: clinical testing. Allele origin: germline. Affected: no.

Genome-Nilou Lab
Classification: Uncertain significance for Pendred syndrome. Last evaluated: 2021-09-05. Review status: criteria provided, single submitter. Criteria: ACMG Guidelines, 2015. Collection method: clinical testing. Allele origin: germline. Affected: no.

Illumina Laboratory Services, Illumina
Classification: Uncertain significance for Autosomal recessive nonsyndromic hearing loss 4. Last evaluated: 2017-04-27. Review status: criteria provided, single submitter. Criteria: ICSL Variant Classification Criteria 13 December 2019. Collection method: clinical testing. Allele origin: germline.
Comment: This variant was observed as part of a predisposition screen in an ostensibly healthy population. A literature search was performed for the gene, cDNA change, and amino acid change (where applicable). Publications were found based on this search. However, the evidence from the literature, in combination with allele frequency data from public databases where available, was not sufficient to rule this variant in or out of causing disease. Therefore, this variant is classified as a variant of unknown significance.

Illumina Laboratory Services, Illumina
Classification: Uncertain significance for Pendred syndrome. Last evaluated: 2017-04-27. Review status: criteria provided, single submitter. Criteria: ICSL Variant Classification Criteria 13 December 2019. Collection method: clinical testing. Allele origin: germline.

Laboratory for Molecular Medicine, Mass General Brigham Personalized Medicine
Classification: Likely benign. Last evaluated: 2015-07-01. Review status: criteria provided, single submitter. Criteria: LMM Criteria. Collection method: clinical testing. Allele origin: germline. Observed: 5 variant alleles.
Comment: p.Ile490Leu in exon 5 of SLC26A4: This variant is not expected to have clinical significance because it has been identified in in 0.2% (38/16512) of South Asia n chromosomes by the Exome Aggregation Consortium (ExAC; dbSNP rs200511789), and functional in vitro analysis has shown that thi s variant does not significantly impact protein function (Scott 2000). Although this variant has been been reported in two probands with hearing loss and enlar ged vestibular aqueducts (Li 1998, Landa 2013), one proband also carried a secon d homozygous pathogenic variant in SLC26A4 that segregated with hearing loss in affected family members and was likely to be the cause of hearing loss. In summ ary, based on the frequency and functional data, this variant is likely benign.

Counsyl
Classification: Uncertain significance for Pendred syndrome. Last evaluated: 2018-04-09. Review status: no assertion criteria provided. Collection method: clinical testing. Allele origin: unknown. Not counted in ClinVar's aggregate classification.

Literature cited by the submitters: PubMed 9500541 (cited by 4 submitters); PubMed 10861298 (cited by 4 submitters); PubMed 17309986 (cited by Illumina Laboratory Services, Illumina); PubMed 23965030 (cited by Laboratory for Molecular Medicine, Mass General Brigham Personalized Medicine and Counsyl); PubMed 27771369 (cited by Counsyl).

NM_000441.2(SLC26A4):c.1468A>C (p.Ile490Leu)

Gene: SLC26A4 (solute carrier family 26 member 4; plus strand). Cytogenetic location: 7q22.3.
Variant type: single nucleotide variant.
Coding change: c.1468A>C on transcript NM_000441.2 (MANE Select); coding-DNA position 1468, A replaced by C.
Protein change: p.Ile490Leu; replaces isoleucine 490 with leucine.
Molecular consequence: missense variant.
Genome position (GRCh38, 1-based): chr7:107,695,963, A>C. VCF-style: chr7-107695963-A-C. GRCh37 (hg19) VCF-style: chr7-107336408-A-C.
Other names: short protein forms I490L.
Identifiers: ClinVar variation 177738 (VCV000177738.27), dbSNP rs200511789, ClinGen allele CA180674.
Genomic context (GRCh38, chr7:107,695,963, plus strand): 5'-AATTCTTTTCATTTCTATTTTTTTCCCTAGGTTATCTGGGTGTTTACGTGTATAGTGTCC[A>C]TCATTCTGGGGCTGGATCTCGGTTTACTAGCTGGCCTTATATTTGGACTGTTGACTGTGG-3'
Protein context (NP_000432.1, residues 480-500): VIWVFTCIVS[Ile490Leu]ILGLDLGLLA